The following is an entry in ClinVar:

ClinVar aggregate classification (germline): Uncertain significance (1 of 4 stars; one submission).

gnomAD v4.1: 2 of 1,614,122 alleles (0.00012%); highest among the groups gnomAD compares: East Asian, 0.0022%; no homozygotes.

Submission:

Labcorp Genetics (formerly Invitae), Labcorp
Classification: Uncertain significance. Last evaluated: 2025-05-26. Review status: criteria provided, single submitter. Criteria: Invitae Variant Classification Sherloc (09022015). Collection method: clinical testing. Allele origin: germline.
Comment: This sequence change replaces threonine, which is neutral and polar, with alanine, which is neutral and non-polar, at codon 126 of the ELMOD3 protein (p.Thr126Ala). This variant is present in population databases (rs557345712, gnomAD 0.003%). This variant has not been reported in the literature in individuals affected with ELMOD3-related conditions. Invitae Evidence Modeling of protein sequence and biophysical properties (such as structural, functional, and spatial information, amino acid conservation, physicochemical variation, residue mobility, and thermodynamic stability) indicates that this missense variant is not expected to disrupt ELMOD3 protein function with a negative predictive value of 80%. In summary, the available evidence is currently insufficient to determine the role of this variant in disease. Therefore, it has been classified as a Variant of Uncertain Significance.

NM_001135022.2(ELMOD3):c.376A>G (p.Thr126Ala)

Gene: ELMOD3 (ELMO domain containing 3; plus strand). Cytogenetic location: 2p11.2.
Variant type: single nucleotide variant.
Coding change: c.376A>G on transcript NM_001135022.2 (MANE Select); coding-DNA position 376, A replaced by G.
Protein change: p.Thr126Ala; replaces threonine 126 with alanine.
Molecular consequence: missense variant. On other transcripts: non-coding transcript variant (3).
Genome position (GRCh38, 1-based): chr2:85,371,101, A>G. VCF-style: chr2-85371101-A-G. GRCh37 (hg19) VCF-style: chr2-85598224-A-G.
Other names: c.376A>G, p.Thr126Ala (NM_001135021.2, NM_001135023.2, NM_001329791.2 and 3 more transcripts); short protein forms T126A.
Identifiers: ClinVar variation 4768225 (VCV004768225.1).